The following is an entry in ClinVar:

ClinVar aggregate classification (germline): Uncertain significance (1 of 4 stars; one submission).

Conditions:
Wolfram syndrome 1 (WFS1). Identifiers: Orphanet 3463, MedGen C4551693, MONDO:0009101, OMIM 222300.

Submission:

Clinical Genomics, Uppaluri K&H Personalized Medicine Clinic
Classification: Uncertain significance for Wolfram syndrome 1. Review status: criteria provided, single submitter. Criteria: K & H Uppaluri Personalized Medicine Clinic Variant Classification & Assertion Criteria_Updated V.1. Collection method: research. Allele origin: unknown. Inheritance: Autosomal recessive inheritance.
Comment: Potent mutations in WFS1 gene are associated with Wolfram's syndrome, an autosomal recessive condition, which cause diabetes mellitus, diabetes insipidus, deafness and optic atrophy.However no sufficient evidence is found to ascertain the role of this particular variant rs373643818 in Wolfram's syndrome yet.

Literature cited by the submitters: PubMed 20738327; PubMed 33879153; PubMed 12955714; PubMed 18060660; PubMed 20301750; PubMed 17603484.

NM_006005.3(WFS1):c.*357CTTT[2]

Gene: WFS1 (wolframin ER transmembrane glycoprotein; plus strand). Cytogenetic location: 4p16.1.
Variant type: Microsatellite.
Coding change: c.*357CTTT[2] on transcript NM_006005.3 (MANE Select); two copies in a row of the 4-base unit CTTT starting at c.*357; the reference has three copies in a row; one copy, 4 bases deleted.
Molecular consequence: 3 prime UTR variant.
Genome position (GRCh38, 1-based): chr4:6,302,833-6,302,836, CTTT deleted; deleting any 4 consecutive bases within chr4:6,302,824-6,302,836 gives the same sequence; the position shown is the placement nearest the transcript's 3' end. VCF-style (leftmost placement, unchanged base first): chr4-6302823-CTCTT-C. GRCh37 (hg19) VCF-style: chr4-6304550-CTCTT-C.
Other names: c.*357CTTT[2] (NM_001145853.1).
Identifiers: ClinVar variation 349346 (VCV000349346.6), dbSNP rs373643818, ClinGen allele CA10618118.